The following is an entry in ClinVar:

ClinVar aggregate classification (germline): Uncertain significance. Review status: criteria provided, multiple submitters, no conflicts (2 of 4 stars). 2 submissions from 2 submitters: Uncertain significance (2). Last evaluated 2025-09-16.

Conditions:
Amyotrophic lateral sclerosis type 1 (ALS1). Also called: AMYOTROPHIC LATERAL SCLEROSIS 1, FAMILIAL. Identifiers: Orphanet 803, MedGen C1862939, MONDO:0007103, OMIM 105400.

Allele frequency attached by ClinVar (database versions not stated): gnomAD exomes below 0.00001.
gnomAD v4.1: 3 of 1,613,922 alleles (0.00019%); highest among the groups gnomAD compares: Non-Finnish European, 0.00025%; no homozygotes.

Submissions (2):

Women's Health and Genetics/Laboratory Corporation of America, LabCorp
Classification: Uncertain significance. Last evaluated: 2025-09-16. Review status: criteria provided, single submitter. Criteria: LabCorp Variant Classification Summary - May 2015. Collection method: clinical testing. Allele origin: germline.
Comment: Variant summary: SOD1 c.25C>G (p.Leu9Val) results in a conservative amino acid change in the encoded protein sequence. Algorithms developed to predict the effect of missense changes on protein structure and function are either unavailable or do not agree on the potential impact of this missense change. The variant was absent in 250502 control chromosomes. The available data on variant occurrences in the general population are insufficient to allow any conclusion about variant significance. c.25C>G has been observed in individuals affected with amyotrophic lateral sclerosis (Andersen_2003, Morgan_2017, Soong_2014, Liu_2019, Tsai_2020). These reports do not provide unequivocal conclusions about association of the variant with Spastic tetraplegia and axial hypotonia, progressive. At least one publication reports experimental evidence evaluating an impact on protein function, however, does not allow convincing conclusions about the variant effect (Fujisawa_2012). The following publications have been ascertained in the context of this evaluation (PMID: 14506936, 23280792, 31788332, 28430856, 32462798, 24908169). ClinVar contains an entry for this variant (Variation ID: 1409977). Based on the evidence outlined above, the variant was classified as uncertain significance.

Labcorp Genetics (formerly Invitae), Labcorp
Classification: Uncertain significance for Amyotrophic lateral sclerosis type 1. Last evaluated: 2021-08-18. Review status: criteria provided, single submitter. Criteria: Invitae Variant Classification Sherloc (09022015). Collection method: clinical testing. Allele origin: germline.
Comment: In summary, the available evidence is currently insufficient to determine the role of this variant in disease. Therefore, it has been classified as a Variant of Uncertain Significance. Advanced modeling of protein sequence and biophysical properties (such as structural, functional, and spatial information, amino acid conservation, physicochemical variation, residue mobility, and thermodynamic stability) performed at Invitae indicates that this missense variant is expected to disrupt SOD1 protein function. This variant is also known as Leu8Val. This missense change has been observed in individual(s) with amyotrophic lateral sclerosis (PMID: 14506936, 24908169, 28430856). This variant is not present in population databases (ExAC no frequency). This sequence change replaces leucine with valine at codon 9 of the SOD1 protein (p.Leu9Val). The leucine residue is moderately conserved and there is a small physicochemical difference between leucine and valine.

Literature cited by the submitters: PubMed 28430856 (cited by Women's Health and Genetics/Laboratory Corporation of America, LabCorp and Labcorp Genetics (formerly Invitae), Labcorp); PubMed 14506936 (cited by Women's Health and Genetics/Laboratory Corporation of America, LabCorp and Labcorp Genetics (formerly Invitae), Labcorp); PubMed 23280792 (cited by Women's Health and Genetics/Laboratory Corporation of America, LabCorp); PubMed 31788332 (cited by Women's Health and Genetics/Laboratory Corporation of America, LabCorp); PubMed 24908169 (cited by Women's Health and Genetics/Laboratory Corporation of America, LabCorp and Labcorp Genetics (formerly Invitae), Labcorp); PubMed 32462798 (cited by Women's Health and Genetics/Laboratory Corporation of America, LabCorp).

NM_000454.5(SOD1):c.25C>G (p.Leu9Val)

Genes: SOD1 (superoxide dismutase 1; plus strand), SOD1-DT (SOD1 divergent transcript; minus strand). Cytogenetic location: 21q22.11.
Variant type: single nucleotide variant.
Coding change: c.25C>G on transcript NM_000454.5 (MANE Select); coding-DNA position 25, C replaced by G.
Protein change: p.Leu9Val; replaces leucine 9 with valine.
Molecular consequence: missense variant.
Genome position (GRCh38, 1-based): chr21:31,659,794, C>G. VCF-style: chr21-31659794-C-G. GRCh37 (hg19) VCF-style: chr21-33032107-C-G.
Other names: short protein forms L9V.
Identifiers: ClinVar variation 1409977 (VCV001409977.7), dbSNP rs1568807333, ClinGen allele CA410035908.